The following is an entry in ClinVar:

ClinVar aggregate classification (germline): Pathogenic (1 of 4 stars; one submission).

Conditions:
Retinitis pigmentosa (RP). Identifiers: Orphanet 791, MedGen C0035334, MeSH D012174, MONDO:0019200, OMIM 268000. Inheritance: Autosomal dominant, autosomal recessive and X linked inheritance.

Submission:

Lab De Baere, Eye and Developmental Genetics Lab, Ghent University
Classification: Pathogenic for Retinitis pigmentosa. Last evaluated: 2024-10-01. Review status: criteria provided, single submitter. Criteria: ACMG Guidelines, 2015. Collection method: research. Allele origin: inherited. Affected: yes. Observed: 1 variant allele.
Comment: ACMG/AMP guidelines: PVS1, PM2, PP1

NM_032119.4(ADGRV1):c.3795T>A (p.Tyr1265Ter)

Gene: ADGRV1 (adhesion G protein-coupled receptor V1; plus strand). Cytogenetic location: 5q14.3.
Variant type: single nucleotide variant.
Coding change: c.3795T>A on transcript NM_032119.4 (MANE Select); coding-DNA position 3795, T replaced by A.
Protein change: p.Tyr1265Ter; replaces tyrosine 1265 with a stop codon.
Molecular consequence: nonsense. On other transcripts: non-coding transcript variant (1).
Genome position (GRCh38, 1-based): chr5:90,653,369, T>A. VCF-style: chr5-90653369-T-A. GRCh37 (hg19) VCF-style: chr5-89949186-T-A.
Other names: short protein forms Y1265*.
Identifiers: ClinVar variation 3544467 (VCV003544467.1).